The following is an entry in ClinVar:

ClinVar aggregate classification (germline): Likely benign (1 of 4 stars; one submission).

Allele frequency attached by ClinVar (database versions not stated): gnomAD exomes below 0.00001; TOPMed below 0.00001.
gnomAD v4.1: 1 of 1,612,322 alleles (0.000062%); highest among the groups gnomAD compares: Middle Eastern, 0.018%; no homozygotes.

Submission:

GeneDx
Classification: Likely benign. Last evaluated: 2016-04-20. Review status: criteria provided, single submitter. Criteria: GeneDx Variant Classification (06012015). Collection method: clinical testing. Allele origin: germline. Affected: yes.
Comment: This variant is considered likely benign or benign based on one or more of the following criteria: it is a conservative change, it occurs at a poorly conserved position in the protein, it is predicted to be benign by multiple in silico algorithms, and/or has population frequency not consistent with disease.

NM_006031.6(PCNT):c.3553G>A (p.Glu1185Lys)

Gene: PCNT (pericentrin; plus strand). Cytogenetic location: 21q22.3.
Variant type: single nucleotide variant.
Coding change: c.3553G>A on transcript NM_006031.6 (MANE Select); coding-DNA position 3553, G replaced by A.
Protein change: p.Glu1185Lys; replaces glutamic acid 1185 with lysine.
Molecular consequence: missense variant.
Genome position (GRCh38, 1-based): chr21:46,388,830, G>A. VCF-style: chr21-46388830-G-A. GRCh37 (hg19) VCF-style: chr21-47808745-G-A.
Other names: c.3199G>A, p.Glu1067Lys (NM_001315529.2); short protein forms E1185K, E1067K.
Identifiers: ClinVar variation 385615 (VCV000385615.1), dbSNP rs920374957, ClinGen allele CA16608576.